The following is an entry in ClinVar:

NM_032119.4(ADGRV1):c.7030G>T (p.Ala2344Ser)

Gene: ADGRV1 (adhesion G protein-coupled receptor V1; plus strand). Cytogenetic location: 5q14.3.
Variant type: single nucleotide variant.
Coding change: c.7030G>T on transcript NM_032119.4 (MANE Select); coding-DNA position 7030, G replaced by T.
Protein change: p.Ala2344Ser; replaces alanine 2344 with serine.
Molecular consequence: missense variant. On other transcripts: non-coding transcript variant (1).
Genome position (GRCh38, 1-based): chr5:90,692,683, G>T. VCF-style: chr5-90692683-G-T. GRCh37 (hg19) VCF-style: chr5-89988500-G-T.
Other names: short protein forms A2344S.
Identifiers: ClinVar variation 1328914 (VCV001328914.8), dbSNP rs373807911, ClinGen allele CA3339952.

ClinVar aggregate classification (germline): Conflicting classifications of pathogenicity. Review status: criteria provided, conflicting classifications (1 of 4 stars). 5 submissions from 5 submitters: Uncertain significance (4); Benign (1). Last evaluated 2026-01-09.

Conditions:
Febrile seizures, familial, 4 (FEB4). Also called: CONVULSIONS, FAMILIAL FEBRILE, 4. Identifiers: MedGen C1858493, MONDO:0011443, OMIM 604352.
Usher syndrome type 2C. Also called: Usher syndrome, type 2B; USHER SYNDROME, TYPE IIC. Identifiers: Orphanet 231178, Orphanet 886, MedGen C2931213, MONDO:0011558, OMIM 605472.
Inborn genetic diseases. Identifiers: MedGen C0950123, MeSH D030342.

Allele frequency attached by ClinVar (database versions not stated): gnomAD 0.00001; TOPMed 0.00002; ExAC 0.00003; gnomAD exomes 0.00003 and 0.00005; ESP Exome Variant Server 0.00008.
gnomAD v4.1: 38 of 1,610,934 alleles (0.0024%); highest among the groups gnomAD compares: Admixed American, 0.0034%; no homozygotes.

Submissions (5):

Labcorp Genetics (formerly Invitae), Labcorp
Classification: Benign. Last evaluated: 2026-01-09. Review status: criteria provided, single submitter. Criteria: Invitae Variant Classification Sherloc (09022015). Collection method: clinical testing. Allele origin: germline.

Blueprint Genetics
Classification: Uncertain significance. Last evaluated: 2024-11-26. Review status: criteria provided, single submitter. Criteria: ACMG Guidelines, 2015. Collection method: clinical testing. Allele origin: germline.

Ambry Genetics
Classification: Uncertain significance for Inborn genetic diseases. Last evaluated: 2024-06-17. Review status: criteria provided, single submitter. Criteria: Ambry Variant Classification Scheme 2023. Collection method: clinical testing. Allele origin: germline.

Fulgent Genetics
Classification: Uncertain significance for Febrile seizures, familial, 4; Usher syndrome type 2C. Last evaluated: 2021-07-28. Review status: criteria provided, single submitter. Criteria: ACMG Guidelines, 2015. Collection method: clinical testing. Allele origin: unknown.

GeneDx
Classification: Uncertain significance. Last evaluated: 2021-06-18. Review status: criteria provided, single submitter. Criteria: GeneDx Variant Classification Process June 2021. Collection method: clinical testing. Allele origin: germline. Affected: yes.
Comment: In silico analysis supports that this missense variant does not alter protein structure/function; Has not been previously published as pathogenic or benign to our knowledge; This variant is associated with the following publications: (PMID: 27535533)